The following is an entry in ClinVar:

NM_001127511.3(APC):c.1A>G (p.Met1Val)

Gene: APC (APC regulator of Wnt signaling pathway; plus strand). Cytogenetic location: 5q22.2.
Variant type: single nucleotide variant.
Coding change: c.1A>G on transcript NM_001127511.3; coding-DNA position 1, A replaced by G.
Protein change: p.Met1Val; changes the start codon (methionine 1).
Molecular consequence: missense variant, initiator codon variant. On other transcripts: 5 prime UTR variant (8), non-coding transcript variant (1), intron variant (5).
Genome position (GRCh38, 1-based): chr5:112,707,718, A>G. VCF-style: chr5-112707718-A-G. GRCh37 (hg19) VCF-style: chr5-112043415-A-G.
Other names: c.-183A>G (NM_001407447.1, NM_001407452.1, NM_001407456.1 and 3 more transcripts); c.-1218A>G (NM_001407470.1, NM_001407472.1); c.-19+69A>G (NM_001407448.1, NM_001407450.1, NM_001407457.1 and 1 more transcripts); c.-43+69A>G (NM_001407453.1); c.1A>G, p.Met1Val (NM_001354897.2, NM_001354902.2, NM_001407446.1); short protein forms M1V.
Identifiers: ClinVar variation 469802 (VCV000469802.48), dbSNP rs189807660, ClinGen allele CA124925094.

ClinVar aggregate classification (germline): Uncertain significance. Review status: criteria provided, multiple submitters, no conflicts (2 of 4 stars). 3 submissions from 3 submitters: Uncertain significance (3). Last evaluated 2024-12-24.

Conditions:
Desmoid disease, hereditary (DESMD). Also called: FIBROMATOSIS, FAMILIAL INFILTRATIVE. Identifiers: Orphanet 873, MedGen C1851124, OMIM 135290. Disease mechanism: loss of function.
Carcinoma of colon (CRC). Also called: Colonic carcinoma; Colon carcinoma. Identifiers: MedGen C0699790, MONDO:0002032.
Hepatocellular carcinoma (HCC). Also called: Primary carcinoma of liver; HEPATOMA; LIVER CELL CARCINOMA. Identifiers: Orphanet 88673, MedGen C2239176, MONDO:0007256, OMIM 114550, HP:0001402.
Familial adenomatous polyposis 1 (FAP1). Also called: FAMILIAL ADENOMATOUS POLYPOSIS 1, ATTENUATED; POLYPOSIS, ADENOMATOUS INTESTINAL. Identifiers: MedGen C2713442, MONDO:0021056, OMIM 175100. Disease mechanism: loss of function.
Neoplasm of stomach. Also called: Stomach Neoplasms; Neoplasm of the stomach; Gastric neoplasm. Identifiers: MedGen C0038356, MONDO:0021085, HP:0006753. Disease mechanism: gain of function. Inheritance: Somatic mutation.

Allele frequency attached by ClinVar (database versions not stated): gnomAD exomes 0.00005; TOPMed 0.00007; gnomAD 0.00003; 1000 Genomes Project 30x 0.00016.

Submissions (3):

Labcorp Genetics (formerly Invitae), Labcorp
Classification: Uncertain significance for Familial adenomatous polyposis 1. Last evaluated: 2024-12-24. Review status: criteria provided, single submitter. Criteria: Invitae Variant Classification Sherloc (09022015). Collection method: clinical testing. Allele origin: germline.
Comment: This variant occurs in a non-coding region of the APC gene. It does not change the encoded amino acid sequence of the APC protein. This variant is present in population databases (rs189807660, gnomAD 0.03%). This variant has not been reported in the literature in individuals affected with APC-related conditions. ClinVar contains an entry for this variant (Variation ID: 469802). Experimental studies and prediction algorithms are not available or were not evaluated, and the functional significance of this variant is currently unknown. In summary, the available evidence is currently insufficient to determine the role of this variant in disease. Therefore, it has been classified as a Variant of Uncertain Significance.

ARUP Laboratories, Molecular Genetics and Genomics, ARUP Laboratories
Classification: Uncertain significance. Last evaluated: 2023-09-08. Review status: criteria provided, single submitter. Criteria: ARUP Molecular Germline Variant Investigation Process 2024. Collection method: clinical testing. Allele origin: germline.
Comment: The APC c.1A>G; p.Met1? variant (rs189807660) in transcript NM_001127511.3, also known as c.-30226A>G in transcript NM_000038.6, is not reported in the medical literature, to our knowledge, but is reported in ClinVar (Variation ID: 469802). This variant is found in the general population with an overall allele frequency of 0.005% (8/166,732 alleles) in the Genome Aggregation Database. This variant abolishes a translation initiation site in an alternate transcript of APC; however, no variants in this codon or the canonical initiation codon in transcript NM_000038.6 have been reported in affected individuals. Due to limited information, the clinical significance of this variant is uncertain at this time.

Fulgent Genetics
Classification: Uncertain significance for Colorectal cancer; Hepatocellular carcinoma; Desmoid disease, hereditary; Familial adenomatous polyposis 1; Gastric cancer. Last evaluated: 2018-10-31. Review status: criteria provided, single submitter. Criteria: ACMG Guidelines, 2015. Collection method: clinical testing. Allele origin: unknown.